The following is an entry in ClinVar:

ClinVar aggregate classification (germline): Uncertain significance (1 of 4 stars; one submission).

Submission:

Labcorp Genetics (formerly Invitae), Labcorp
Classification: Uncertain significance. Last evaluated: 2023-04-20. Review status: criteria provided, single submitter. Criteria: Invitae Variant Classification Sherloc (09022015). Collection method: clinical testing. Allele origin: unknown.
Comment: In summary, the available evidence is currently insufficient to determine the role of this variant in disease. Therefore, it has been classified as a Variant of Uncertain Significance. Experimental studies and prediction algorithms are not available or were not evaluated, and the functional significance of this variant is currently unknown. This variant has not been reported in the literature in individuals affected with COL9A2-related conditions. This variant results in a copy number gain of the genomic region encompassing exon(s) 1 of the COL9A2 gene. This region includes the initiator codon of the gene. This copy number gain extends beyond the assayed region for this gene and therefore may encompass additional genes. As the precise location of this event is unknown, it may be in tandem or it may be located elsewhere in the genome.

NC_000001.10:g.(?_40782775)_(40981338_?)dup

Genes: COL9A2 (collagen type IX alpha 2 chain; minus strand), EXO5 (exonuclease 5; plus strand), SMAP2 (small ArfGAP2; plus strand), ZFP69 (ZFP69 zinc finger protein; plus strand), ZFP69B (ZFP69 zinc finger protein B; plus strand). Cytogenetic location: 1p34.2.
Variant type: Duplication.
Identifiers: ClinVar variation 3247914 (VCV003247914.1).